The following is an entry in ClinVar:

ClinVar aggregate classification (germline): no classifications from unflagged records (0 of 4 stars; one submission).

Conditions:
Immunodeficiency 62. Identifiers: Orphanet 696942, MedGen C5193109, MONDO:0032763, OMIM 618459.

Submission:

OMIM
Classification: Pathogenic for IMMUNODEFICIENCY 62 (1 family). Last evaluated: 2019-06-06. Review status: flagged submission. Collection method: literature only. Allele origin: germline.
ClinVar note: Notes: Flagging candidate with reason of insufficient supporting evidence. This gene has been classified as having a limited gene-disease relationship by a ClinGen Expert Panel.
ClinVar note: Reason: P/LP classification for a variant in a gene with insufficient evidence for a gene-disease relationship

Literature cited by the submitters: PubMed 30521495.

NM_004706.4(ARHGEF1):c.1624-1G>T

Gene: ARHGEF1 (Rho guanine nucleotide exchange factor 1; plus strand). Cytogenetic location: 19q13.2.
Variant type: single nucleotide variant.
Coding change: c.1624-1G>T on transcript NM_004706.4 (MANE Select); the canonical splice acceptor site of the intron before coding-DNA position 1624, G replaced by T.
Molecular consequence: splice acceptor variant.
Genome position (GRCh38, 1-based): chr19:41,902,783, G>T. VCF-style: chr19-41902783-G-T. GRCh37 (hg19) VCF-style: chr19-42406933-G-T.
Other names: IVS18AS, G-T, -1; c.1525-1G>T (NM_001396002.1, NM_198977.2, NM_001396004.1); c.1792-1G>T (NM_001396000.1); c.1624-1G>T (NM_001396006.1, NM_001396003.1); c.1669-1G>T (NM_199002.2).
Identifiers: ClinVar variation 633650 (VCV000633650.1), dbSNP rs1568822574, ClinGen allele CA406062075.